The following is an entry in ClinVar:

ClinVar aggregate classification (germline): Uncertain significance. Review status: criteria provided, multiple submitters, no conflicts (2 of 4 stars). 2 submissions from 2 submitters: Uncertain significance (2). Last evaluated 2023-01-20.

Conditions:
Dyskeratosis congenita. Identifiers: Orphanet 1775, MedGen C0265965, MONDO:0015780.

Submissions (2):

Labcorp Genetics (formerly Invitae), Labcorp
Classification: Uncertain significance for Dyskeratosis congenita. Last evaluated: 2023-01-20. Review status: criteria provided, single submitter. Criteria: Invitae Variant Classification Sherloc (09022015). Collection method: clinical testing. Allele origin: germline.
Comment: ClinVar contains an entry for this variant (Variation ID: 1692636). In summary, the available evidence is currently insufficient to determine the role of this variant in disease. Therefore, it has been classified as a Variant of Uncertain Significance. Advanced modeling of protein sequence and biophysical properties (such as structural, functional, and spatial information, amino acid conservation, physicochemical variation, residue mobility, and thermodynamic stability) performed at Invitae indicates that this missense variant is not expected to disrupt DKC1 protein function. This variant has not been reported in the literature in individuals affected with DKC1-related conditions. This variant is not present in population databases (gnomAD no frequency). This sequence change replaces serine, which is neutral and polar, with threonine, which is neutral and polar, at codon 451 of the DKC1 protein (p.Ser451Thr).

Sema4
Classification: Uncertain significance for Dyskeratosis congenita. Last evaluated: 2021-10-18. Review status: criteria provided, single submitter. Criteria: Sema4 Curation Guidelines. Collection method: curation. Allele origin: germline.
Comment: The DKC1 c.1352G>C (p.S451T) variant has not been reported in the literature to our knowledge. It was not observed in the large and broad cohorts of the Genome Aggregation Database (PMID: 32461654). The variant has not been reported in ClinVar. Functional studies have not been performed, and in silico predictions of the variant's effect on protein function are inconclusive. The evidence is insufficient to meet ACMG/AMP criteria for classifying the variant as benign or pathogenic. Thus, the clinical significance of this variant is currently uncertain.

NM_001363.5(DKC1):c.1352G>C (p.Ser451Thr)

Gene: DKC1 (dyskerin pseudouridine synthase 1; plus strand). Cytogenetic location: Xq28.
Variant type: single nucleotide variant.
Coding change: c.1352G>C on transcript NM_001363.5 (MANE Select); coding-DNA position 1352, G replaced by C.
Protein change: p.Ser451Thr; replaces serine 451 with threonine.
Molecular consequence: missense variant. On other transcripts: 3 prime UTR variant (1), non-coding transcript variant (3).
Genome position (GRCh38, 1-based): chrX:154,776,200, G>C. VCF-style: chrX-154776200-G-C. GRCh37 (hg19) VCF-style: chrX-154004475-G-C.
Other names: c.1337G>C, p.Ser446Thr (NM_001142463.3); c.*578G>C (NM_001288747.2); short protein forms S446T, S451T.
Identifiers: ClinVar variation 1692636 (VCV001692636.4), dbSNP rs2071893244, ClinGen allele CA414899358.
Genomic context (GRCh38, chrX:154,776,200, plus strand): 5'-CCATTATTGCCCAAGATCTAACACTTAACCAATTGCTTTCATCTCAGCGGAAGCGAGAGA[G>C]TGAGAGTGAAAGTGACGAGACTCCTCCAGCAGCTCCTCAGTTGATCAAGAAGGAAAAGAA-3'
Protein context (NP_001354.1, residues 441-461): AAKTAKRKRE[Ser451Thr]ESESDETPPA